The following is an entry in ClinVar:

NM_005245.4(FAT1):c.1335G>A (p.Ala445=)

Gene: FAT1 (FAT atypical cadherin 1; minus strand). Cytogenetic location: 4q35.2.
Variant type: single nucleotide variant.
Coding change: c.1335G>A on transcript NM_005245.4 (MANE Select); coding-DNA position 1335, G replaced by A.
Protein change: p.Ala445=; no amino-acid change (alanine 445 retained).
Molecular consequence: synonymous variant.
Genome position (GRCh38, 1-based): chr4:186,708,493, C>T on the plus strand (G>A on the coding strand, the complement: FAT1 is on the minus strand). VCF-style: chr4-186708493-C-T. GRCh37 (hg19) VCF-style: chr4-187629647-C-T.
Identifiers: ClinVar variation 1536316 (VCV001536316.31), dbSNP rs200594788, ClinGen allele CA3167491.

ClinVar aggregate classification (germline): Likely benign. Review status: criteria provided, multiple submitters, no conflicts (2 of 4 stars). 2 submissions from 2 submitters: Likely benign (2). Last evaluated 2026-01-27.

Allele frequency attached by ClinVar (database versions not stated): gnomAD 0.00014 and 0.00017; gnomAD exomes 0.00016; ExAC 0.00017; TOPMed 0.00019; ESP Exome Variant Server 0.00033; 1000 Genomes Project 0.00040; 1000 Genomes Project 30x 0.00062.
gnomAD v4.1: 252 of 1,613,914 alleles (0.016%); highest among the groups gnomAD compares: African/African-American, 0.04%; 1 homozygote.

Submissions (2):

Labcorp Genetics (formerly Invitae), Labcorp
Classification: Likely benign. Last evaluated: 2026-01-27. Review status: criteria provided, single submitter. Criteria: Invitae Variant Classification Sherloc (09022015). Collection method: clinical testing. Allele origin: germline.

CeGaT Center for Human Genetics Tuebingen
Classification: Likely benign. Last evaluated: 2022-06-01. Review status: criteria provided, single submitter. Criteria: CeGaT Center For Human Genetics Tuebingen Variant Classification Criteria Version 2. Collection method: clinical testing. Allele origin: germline. Affected: yes. Observed: 1 variant allele.
Comment: FAT1: BP4, BP7